The following is an entry in ClinVar:

ClinVar aggregate classification (germline): Uncertain significance (1 of 4 stars; one submission).

Submission:

CeGaT Center for Human Genetics Tuebingen
Classification: Uncertain significance. Last evaluated: 2023-10-01. Review status: criteria provided, single submitter. Criteria: CeGaT Center For Human Genetics Tuebingen Variant Classification Criteria Version 2. Collection method: clinical testing. Allele origin: germline. Affected: yes. Observed: 1 variant allele.
Comment: DYNC1H1: PM2, PP2

NM_001376.5(DYNC1H1):c.11140A>C (p.Asn3714His)

Gene: DYNC1H1 (dynein cytoplasmic 1 heavy chain 1; plus strand). Cytogenetic location: 14q32.31.
Variant type: single nucleotide variant.
Coding change: c.11140A>C on transcript NM_001376.5 (MANE Select); coding-DNA position 11140, A replaced by C.
Protein change: p.Asn3714His; replaces asparagine 3714 with histidine.
Molecular consequence: missense variant.
Genome position (GRCh38, 1-based): chr14:102,038,782, A>C. VCF-style: chr14-102038782-A-C. GRCh37 (hg19) VCF-style: chr14-102505119-A-C.
Other names: short protein forms N3714H.
Identifiers: ClinVar variation 2644570 (VCV002644570.24), dbSNP rs2503843556, ClinGen allele CA391032585.